The following is an entry in ClinVar:

ClinVar aggregate classification (germline): Likely benign. Review status: criteria provided, multiple submitters, no conflicts (2 of 4 stars). 2 submissions from 2 submitters: Likely benign (2). Last evaluated 2025-08-29.

Conditions:
Combined oxidative phosphorylation defect type 14. Also called: Combined oxidative phosphorylation deficiency 14. Identifiers: Orphanet 319519, MedGen C4755312, MONDO:0013986, OMIM 614946.

Allele frequency attached by ClinVar (database versions not stated): gnomAD 0.00001 and 0.00005; TOPMed 0.00004; 1000 Genomes Project 30x 0.00031; 1000 Genomes Project 0.00040.
gnomAD v4.1: 69 of 1,614,122 alleles (0.0043%); highest among the groups gnomAD compares: East Asian, 0.15%; 1 homozygote.

Submissions (2):

Labcorp Genetics (formerly Invitae), Labcorp
Classification: Likely benign for Combined oxidative phosphorylation defect type 14. Last evaluated: 2025-08-29. Review status: criteria provided, single submitter. Criteria: Invitae Variant Classification Sherloc (09022015). Collection method: clinical testing. Allele origin: germline.

CeGaT Center for Human Genetics Tuebingen
Classification: Likely benign. Last evaluated: 2025-03-01. Review status: criteria provided, single submitter. Criteria: CeGaT Center For Human Genetics Tuebingen Variant Classification Criteria Version 2. Collection method: clinical testing. Allele origin: germline. Affected: yes. Observed: 1 variant allele.
Comment: FARS2: BP4, BP7

NM_006567.5(FARS2):c.318G>A (p.Gly106=)

Genes: FARS2 (phenylalanyl-tRNA synthetase 2, mitochondrial; plus strand), LOC126859565 (CDK7 strongly-dependent group 2 enhancer GRCh37_chr6:5368745-5369944; plus strand). Cytogenetic location: 6p25.1.
Variant type: single nucleotide variant.
Coding change: c.318G>A on transcript NM_006567.5 (MANE Select); coding-DNA position 318, G replaced by A.
Protein change: p.Gly106=; no amino-acid change (glycine 106 retained).
Molecular consequence: synonymous variant. On other transcripts: intron variant (2).
Genome position (GRCh38, 1-based): chr6:5,368,888, G>A. VCF-style: chr6-5368888-G-A. GRCh37 (hg19) VCF-style: chr6-5369121-G-A.
Other names: c.318G>A, p.Gly106= (NM_001318872.2, NM_001374875.1, NM_001374876.1 and 5 more transcripts); c.-340-27745G>A (NM_001375260.1); c.-84-35654G>A (NM_001375259.1).
Identifiers: ClinVar variation 1151396 (VCV001151396.16), dbSNP rs140589763, ClinGen allele CA3623623.